The following is an entry in ClinVar:

NM_007294.4(BRCA1):c.4926A>T (p.Ser1642=)

Gene: BRCA1 (BRCA1 DNA repair associated; minus strand). Cytogenetic location: 17q21.31.
Variant type: single nucleotide variant.
Coding change: c.4926A>T on transcript NM_007294.4 (MANE Select); coding-DNA position 4926, A replaced by T.
Protein change: p.Ser1642=; no amino-acid change (serine 1642 retained).
Molecular consequence: synonymous variant. On other transcripts: intron variant (1).
Genome position (GRCh38, 1-based): chr17:43,070,988, T>A on the plus strand (A>T on the coding strand, the complement: BRCA1 is on the minus strand). VCF-style: chr17-43070988-T-A. GRCh37 (hg19) VCF-style: chr17-41223005-T-A.
Other names: c.1233A>T, p.Ser411= (NM_001408511.1); c.1113A>T, p.Ser371= (NM_001408512.1); c.1086A>T, p.Ser362= (NM_001408513.1); c.4785A>T, p.Ser1595= (NM_007297.4, NM_001407692.1, NM_001407694.1 and 13 more transcripts); c.1614A>T, p.Ser538= (NM_007298.4, NM_007299.4, NM_007304.2 and 13 more transcripts); c.4989A>T, p.Ser1663= (NM_007300.4, NM_001407583.1, NM_001407585.1 and 1 more transcripts); c.839-7037A>T (NM_001408514.1); c.4713A>T, p.Ser1571= (NM_001407571.1, NM_001407894.1, NM_001407895.1 and 12 more transcripts); and 71 more.
Identifiers: ClinVar variation 868856 (VCV000868856.12), dbSNP rs2052376021, ClinGen allele CA500231647.
Genomic context (GRCh38, chr17:43,070,988, plus strand): 5'-AAATTCTTCTGGGGTCAGGCCAGACACCACCATGGACATTCTTTTGTTGACCCTTTCTGT[T>A]GAAGCTGTCAATTCTGGCTTCTCCCTGCTCACACTTTCTTCCATTGCATTATACCCAGCA-3'
Protein context (NP_009225.1, residues 1632-1652): VSREKPELTA[Ser1642=]TERVNKRMSM

ClinVar aggregate classification (germline): Likely benign (1 of 4 stars; one submission).

Conditions:
Hereditary breast ovarian cancer syndrome. Also called: Hereditary breast and ovarian cancer; Hereditary breast and ovarian cancer syndrome (HBOC); Breast and ovarian cancer; Hereditary breast and/or ovarian cancer syndrome; BRCA1- and BRCA2-Associated Hereditary Breast and Ovarian Cancer; Hereditary breast and ovarian cancer syndrome. Identifiers: Orphanet 145, MedGen C0677776, MeSH D061325, MONDO:0003582. Disease mechanism: loss of function.

Submissions (2):

Labcorp Genetics (formerly Invitae), Labcorp
Classification: Likely benign for Hereditary breast ovarian cancer syndrome. Last evaluated: 2024-10-09. Review status: criteria provided, single submitter. Criteria: Invitae Variant Classification Sherloc (09022015). Collection method: clinical testing. Allele origin: germline.

Brotman Baty Institute, University of Washington
No classification provided (evidence only). Condition: Breast-ovarian cancer, familial 1. Review status: no classification provided. Collection method: in vitro. Allele origin: not applicable. Functional consequence: functionally_normal. Not counted in ClinVar's aggregate classification.
ClinVar note: "not provided" was previously submitted as the classification for the variant. However, the classification appeared to be based only on an observation of functional data so it was converted to no classification on 2025-07-30.